The following is an entry in ClinVar:

ClinVar aggregate classification (germline): Likely benign. Review status: criteria provided, multiple submitters, no conflicts (2 of 4 stars). 3 submissions from 3 submitters: Likely benign (2). 1 of the submissions does not count toward it. Last evaluated 2024-01-29.

Conditions:
ASPM-related disorder. Also called: ASPM-related condition.

Allele frequency attached by ClinVar (database versions not stated): TOPMed below 0.00001; gnomAD 0.00001; 1000 Genomes Project 30x 0.00016; ExAC 0.00016; 1000 Genomes Project 0.00020.
gnomAD v4.1: 76 of 1,613,008 alleles (0.0047%); highest among the groups gnomAD compares: South Asian, 0.077%; 1 homozygote.

Submissions (3):

Labcorp Genetics (formerly Invitae), Labcorp
Classification: Likely benign. Last evaluated: 2024-01-29. Review status: criteria provided, single submitter. Criteria: Invitae Variant Classification Sherloc (09022015). Collection method: clinical testing. Allele origin: germline.

Blueprint Genetics
Classification: Likely benign. Last evaluated: 2023-08-28. Review status: criteria provided, single submitter. Criteria: ACMG Guidelines, 2015. Collection method: clinical testing. Allele origin: germline.

PreventionGenetics, part of Exact Sciences
Classification: Likely benign for ASPM-related condition. Last evaluated: 2024-01-23. Review status: no assertion criteria provided. Collection method: clinical testing. Allele origin: germline. Not counted in ClinVar's aggregate classification.
Comment: This variant is classified as likely benign based on ACMG/AMP sequence variant interpretation guidelines (Richards et al. 2015 PMID: 25741868, with internal and published modifications).

NM_018136.5(ASPM):c.1029T>C (p.Phe343=)

Gene: ASPM (assembly factor for spindle microtubules; minus strand). Cytogenetic location: 1q31.3.
Variant type: single nucleotide variant.
Coding change: c.1029T>C on transcript NM_018136.5 (MANE Select); coding-DNA position 1029, T replaced by C.
Protein change: p.Phe343=; no amino-acid change (phenylalanine 343 retained).
Molecular consequence: synonymous variant.
Genome position (GRCh38, 1-based): chr1:197,143,223, A>G on the plus strand (T>C on the coding strand, the complement: ASPM is on the minus strand). VCF-style: chr1-197143223-A-G. GRCh37 (hg19) VCF-style: chr1-197112353-A-G.
Other names: c.1029T>C, p.Phe343= (NM_001206846.2); c.1029T>C (NM_018136.4).
Identifiers: ClinVar variation 3020771 (VCV003020771.6), dbSNP rs535380474, ClinGen allele CA1310774.